The following is an entry in ClinVar:

ClinVar aggregate classification (germline): Pathogenic. Review status: criteria provided, multiple submitters, no conflicts (2 of 4 stars). 4 submissions from 4 submitters: Pathogenic (3). 1 of the submissions does not count toward it. Last evaluated 2024-05-23.

Conditions:
HGD-related disorder. Also called: HGD-related condition.
Alkaptonuria (AKU). Also called: Homogentisic acidura; Alcaptonuria; HOMOGENTISIC ACID OXIDASE DEFICIENCY; Alkaptonuric ochronosis. Identifiers: Orphanet 56, MedGen C0002066, MONDO:0008753, OMIM 203500.

Allele frequency attached by ClinVar (database versions not stated): gnomAD exomes below 0.00001; gnomAD 0.00001; TOPMed 0.00001.
gnomAD v4.1: 18 of 1,614,070 alleles (0.0011%); highest among the groups gnomAD compares: Non-Finnish European, 0.0014%; no homozygotes.

Submissions (4):

Fulgent Genetics
Classification: Pathogenic for Alkaptonuria. Last evaluated: 2024-05-23. Review status: criteria provided, single submitter. Criteria: ACMG Guidelines, 2015. Collection method: clinical testing. Allele origin: germline.

Labcorp Genetics (formerly Invitae), Labcorp
Classification: Pathogenic for Alkaptonuria. Last evaluated: 2023-04-11. Review status: criteria provided, single submitter. Criteria: Invitae Variant Classification Sherloc (09022015). Collection method: clinical testing. Allele origin: germline.
Comment: For these reasons, this variant has been classified as Pathogenic. Algorithms developed to predict the effect of sequence changes on RNA splicing suggest that this variant may disrupt the consensus splice site. ClinVar contains an entry for this variant (Variation ID: 1457863). Disruption of this splice site has been observed in individual(s) with alkaptonuria (PMID: 19862842). This variant is not present in population databases (gnomAD no frequency). This sequence change affects an acceptor splice site in intron 12 of the HGD gene. It is expected to disrupt RNA splicing. Variants that disrupt the donor or acceptor splice site typically lead to a loss of protein function (PMID: 16199547), and loss-of-function variants in HGD are known to be pathogenic (PMID: 12501223, 19862842).

PreventionGenetics, part of Exact Sciences
Classification: Pathogenic for HGD-related condition. Last evaluated: 2022-10-03. Review status: criteria provided, single submitter. Criteria: ACMG Guidelines, 2015. Collection method: clinical testing. Allele origin: germline.
Comment: The HGD c.1007-2A>T variant is predicted to disrupt the AG splice acceptor site and interfere with normal splicing. This variant was reported along with additional apparently deleterious variants in two individuals with alkaptonuria (Vilboux et al 2009. PubMed ID: 19862842). This variant is reported in 0.00088% of alleles in individuals of European (Non-Finnish) descent in gnomAD. Variants that disrupt the consensus splice acceptor site in HGD are expected to be pathogenic. This variant is interpreted as pathogenic.

Department Of Human Genetics, Institute Of Clinical And Translational Research, Biomedical Research Center, Slovak Academy Of Sciences
Classification: Pathogenic for Alkaptonuria. Review status: no assertion criteria provided. Collection method: research. Allele origin: germline. Inheritance: Autosomal recessive inheritance. Affected: yes. Observed: 15 variant alleles. Not counted in ClinVar's aggregate classification.
Comment: The variant was originally described in AKU patient in PMID:19862842. It has been submitted to the HGD gene mutation database (DB-ID: AKU_00090).

Literature cited by the submitters: PubMed 19862842 (cited by Labcorp Genetics (formerly Invitae), Labcorp and Department Of Human Genetics, Institute Of Clinical And Translational Research, Biomedical Research Center, Slovak Academy Of Sciences); PubMed 16199547 (cited by Labcorp Genetics (formerly Invitae), Labcorp); PubMed 12501223 (cited by Labcorp Genetics (formerly Invitae), Labcorp).

NM_000187.4(HGD):c.1007-2A>T

Gene: HGD (homogentisate 1,2-dioxygenase; minus strand). Cytogenetic location: 3q13.33.
Variant type: single nucleotide variant.
Coding change: c.1007-2A>T on transcript NM_000187.4 (MANE Select); the canonical splice acceptor site of the intron before coding-DNA position 1007, A replaced by T.
Molecular consequence: splice acceptor variant.
Genome position (GRCh38, 1-based): chr3:120,633,330, T>A on the plus strand (A>T on the coding strand, the complement: HGD is on the minus strand). VCF-style: chr3-120633330-T-A. GRCh37 (hg19) VCF-style: chr3-120352177-T-A.
Other names: c.1007-2A>T (NM_000187.3).
Identifiers: ClinVar variation 1457863 (VCV001457863.9), dbSNP rs1559781702, ClinGen allele CA354073049.